The following is an entry in ClinVar:

ClinVar aggregate classification (germline): Likely benign (1 of 4 stars; one submission).

Conditions:
LZTFL1-related disorder. Also called: LZTFL1-related condition.

gnomAD v4.1: 1 of 1,536,022 alleles (0.000065%); highest among the groups gnomAD compares: Non-Finnish European, 0.000087%; no homozygotes.

Submission:

PreventionGenetics, part of Exact Sciences
Classification: Likely benign for LZTFL1-related condition. Last evaluated: 2025-03-04. Review status: criteria provided, single submitter. Criteria: ACMG Guidelines, 2015. Collection method: clinical testing. Allele origin: germline.
Comment: This variant is classified as likely benign based on ACMG/AMP sequence variant interpretation guidelines (Richards et al. 2015 PMID: 25741868, with internal and published modifications).

NM_001276379.2(LZTFL1):c.21G>A (p.Gly7=)

Gene: LZTFL1 (leucine zipper transcription factor like 1; minus strand). Cytogenetic location: 3p21.31.
Variant type: single nucleotide variant.
Coding change: c.21G>A on transcript NM_001276379.2; coding-DNA position 21, G replaced by A.
Protein change: p.Gly7=; no amino-acid change (glycine 7 retained).
Molecular consequence: synonymous variant. On other transcripts: 5 prime UTR variant (4), non-coding transcript variant (1).
Genome position (GRCh38, 1-based): chr3:45,913,126, C>T on the plus strand (G>A on the coding strand, the complement: LZTFL1 is on the minus strand). VCF-style: chr3-45913126-C-T. GRCh37 (hg19) VCF-style: chr3-45954618-C-T.
Other names: c.-144G>A (NM_001276378.2, NM_001405927.1); c.21G>A, p.Gly7= (NM_001405920.1, NM_001405921.1, NM_001405925.1); c.-183G>A (NM_001405923.1, NM_001405926.1).
Identifiers: ClinVar variation 4997345 (VCV004997345.1).